The following is an entry in ClinVar:

ClinVar aggregate classification (germline): Uncertain significance (1 of 4 stars; one submission).

Conditions:
Bloom syndrome (BLM). Also called: Bloom-Torre-Machacek syndrome. Identifiers: Orphanet 125, MedGen C0005859, MONDO:0008876, OMIM 210900.

Allele frequency attached by ClinVar (database versions not stated): gnomAD 0.00001.
gnomAD v4.1: 4 of 1,614,090 alleles (0.00025%); highest among the groups gnomAD compares: Admixed American, 0.0067%; no homozygotes.

Submission:

Labcorp Genetics (formerly Invitae), Labcorp
Classification: Uncertain significance for Bloom syndrome. Last evaluated: 2021-02-15. Review status: criteria provided, single submitter. Criteria: Invitae Variant Classification Sherloc (09022015). Collection method: clinical testing. Allele origin: germline.
Comment: In summary, the available evidence is currently insufficient to determine the role of this variant in disease. Therefore, it has been classified as a Variant of Uncertain Significance. Algorithms developed to predict the effect of missense changes on protein structure and function (SIFT, PolyPhen-2, Align-GVGD) all suggest that this variant is likely to be disruptive, but these predictions have not been confirmed by published functional studies and their clinical significance is uncertain. This variant has not been reported in the literature in individuals with BLM-related conditions. This variant is not present in population databases (ExAC no frequency). This sequence change replaces tyrosine with serine at codon 1170 of the BLM protein (p.Tyr1170Ser). The tyrosine residue is highly conserved and there is a large physicochemical difference between tyrosine and serine.

NM_000057.4(BLM):c.3509A>C (p.Tyr1170Ser)

Gene: BLM (BLM RecQ like helicase; plus strand). Cytogenetic location: 15q26.1.
Variant type: single nucleotide variant.
Coding change: c.3509A>C on transcript NM_000057.4 (MANE Select); coding-DNA position 3509, A replaced by C.
Protein change: p.Tyr1170Ser; replaces tyrosine 1170 with serine.
Molecular consequence: missense variant. On other transcripts: intron variant (1).
Genome position (GRCh38, 1-based): chr15:90,803,671, A>C. VCF-style: chr15-90803671-A-C. GRCh37 (hg19) VCF-style: chr15-91346901-A-C.
Other names: c.3509A>C, p.Tyr1170Ser (NM_001287246.2); c.2384A>C, p.Tyr795Ser (NM_001287248.2); c.3358+5334A>C (NM_001287247.2); short protein forms Y795S, Y1170S.
Identifiers: ClinVar variation 1480745 (VCV001480745.8), dbSNP rs746692894, ClinGen allele CA393847755.